The following is an entry in ClinVar:

NM_006277.3(ITSN2):c.1345-4dup

Gene: ITSN2 (intersectin 2; minus strand). Cytogenetic location: 2p23.3.
Variant type: Duplication.
Coding change: c.1345-4dup on transcript NM_006277.3 (MANE Select); 4 bases into the intron before coding-DNA position 1345, one base duplicated (T; older notation c.1345-4dupT).
Molecular consequence: intron variant.
Genome position (GRCh38, 1-based): chr2:24,298,818, A duplicated on the plus strand (T on the coding strand, the reverse complement: ITSN2 is on the minus strand); the first of 10 consecutive A bases (chr2:24,298,818-24,298,827); duplicating any one gives the same sequence. VCF-style (leftmost placement, unchanged base first): chr2-24298817-G-GA. GRCh37 (hg19) VCF-style: chr2-24521686-G-GA.
Other names: c.1345-4dup (NM_001348182.2, NM_019595.4, NM_147152.3 and 3 more transcripts); c.1303-4dup (NM_001348181.2, NM_001348184.2); c.1345-4dupT (NM_006277.2).
Identifiers: ClinVar variation 2037559 (VCV002037559.6), dbSNP rs747412792, ClinGen allele CA1551503.

ClinVar aggregate classification (germline): Benign. Review status: criteria provided, single submitter (1 of 4 stars). 2 submissions from 2 submitters: Benign (1). 1 of the submissions does not count toward it. Last evaluated 2025-08-30.

Conditions:
ITSN2-related disorder. Also called: ITSN2-related condition.

Submissions (2):

Labcorp Genetics (formerly Invitae), Labcorp
Classification: Benign. Last evaluated: 2025-08-30. Review status: criteria provided, single submitter. Criteria: Invitae Variant Classification Sherloc (09022015). Collection method: clinical testing. Allele origin: germline.

PreventionGenetics, part of Exact Sciences
Classification: Benign for ITSN2-related condition. Last evaluated: 2020-01-05. Review status: no assertion criteria provided. Collection method: clinical testing. Allele origin: germline. Not counted in ClinVar's aggregate classification.
Comment: This variant is classified as benign based on ACMG/AMP sequence variant interpretation guidelines (Richards et al. 2015 PMID: 25741868, with internal and published modifications).